The following is an entry in ClinVar:

NM_001256545.2(MEGF10):c.918-80C>G

Gene: MEGF10 (multiple EGF like domains 10; plus strand). Cytogenetic location: 5q23.2.
Variant type: single nucleotide variant.
Coding change: c.918-80C>G on transcript NM_001256545.2 (MANE Select); 80 bases into the intron before coding-DNA position 918, C replaced by G.
Molecular consequence: intron variant.
Genome position (GRCh38, 1-based): chr5:127,410,309, C>G. VCF-style: chr5-127410309-C-G. GRCh37 (hg19) VCF-style: chr5-126746001-C-G.
Other names: c.918-80C>G (NM_032446.3, NM_001308119.2, NM_001308121.2).
Identifiers: ClinVar variation 672410 (VCV000672410.2), dbSNP rs80313631, ClinGen allele CA126939242.

ClinVar aggregate classification (germline): Likely benign. Review status: criteria provided, multiple submitters, no conflicts (2 of 4 stars). 2 submissions from 2 submitters: Likely benign (2). Last evaluated 2018-06-18.

Allele frequency attached by ClinVar (database versions not stated): TOPMed 0.01494; gnomAD 0.01603 and 0.01841; 1000 Genomes Project 30x 0.03154; 1000 Genomes Project 0.03315.
gnomAD v4.1: 29,700 of 1,375,708 alleles (2.2%); highest among the groups gnomAD compares: South Asian, 6.7%; 528 homozygotes.

Submissions (2):

GeneDx
Classification: Likely benign. Last evaluated: 2018-06-18. Review status: criteria provided, single submitter. Criteria: GeneDx Variant Classification (06012015). Collection method: clinical testing. Allele origin: germline. Affected: yes.
Comment: This variant is considered likely benign or benign based on one or more of the following criteria: it is a conservative change, it occurs at a poorly conserved position in the protein, it is predicted to be benign by multiple in silico algorithms, and/or has population frequency not consistent with disease.

Breakthrough Genomics
Classification: Likely benign. Review status: criteria provided, single submitter. Criteria: ACMG Guidelines, 2015. Collection method: not provided. Allele origin: germline. Inheritance: Autosomal recessive inheritance. Affected: yes.